The following is an entry in ClinVar:

NM_001374353.1(GLI2):c.178G>C (p.Ala60Pro)

Gene: GLI2 (GLI family zinc finger 2; plus strand). Cytogenetic location: 2q14.2.
Variant type: single nucleotide variant.
Coding change: c.178G>C on transcript NM_001374353.1 (MANE Select); coding-DNA position 178, G replaced by C.
Protein change: p.Ala60Pro; replaces alanine 60 with proline.
Molecular consequence: missense variant. On other transcripts: intron variant (1).
Genome position (GRCh38, 1-based): chr2:120,927,390, G>C. VCF-style: chr2-120927390-G-C. GRCh37 (hg19) VCF-style: chr2-121684966-G-C.
Other names: c.178G>C, p.Ala60Pro (NM_001371271.1, NM_005270.5); c.-121-23853G>C (NM_001374354.1); c.178G>C (NM_005270.4); short protein forms A60P.
Identifiers: ClinVar variation 2637439 (VCV002637439.2), dbSNP rs540925998, ClinGen allele CA54389975.

ClinVar aggregate classification (germline): Uncertain significance. Review status: criteria provided, multiple submitters, no conflicts (2 of 4 stars). 2 submissions from 2 submitters: Uncertain significance (2). Last evaluated 2025-04-17.

Conditions:
GLI2-related disorder. Also called: GLI2-related disorders; GLI2-related condition.

Allele frequency attached by ClinVar (database versions not stated): gnomAD exomes 0.00002; TOPMed 0.00004.
gnomAD v4.1: 36 of 1,613,802 alleles (0.0022%); highest among the groups gnomAD compares: Non-Finnish European, 0.0025%; no homozygotes.

Submissions (2):

PreventionGenetics, part of Exact Sciences
Classification: Uncertain significance for GLI2-related condition. Last evaluated: 2025-04-17. Review status: criteria provided, single submitter. Criteria: ACMG Guidelines, 2015. Collection method: clinical testing. Allele origin: germline.
Comment: The GLI2 c.178G>C variant is predicted to result in the amino acid substitution p.Ala60Pro. This variant has been reported in 2 individuals with autism spectrum disorder (described as 2:120927390:G:C in Table S1, Fu et al. 2022. PubMed ID: 35982160; Supplemental data 1, Zhou et al. 2022. PubMed ID: 35982159). This variant is reported in 0.00088% of alleles in individuals of European (Non-Finnish) descent in gnomAD. At this time, the clinical significance of this variant is uncertain due to the absence of conclusive functional and genetic evidence.

Women's Health and Genetics/Laboratory Corporation of America, LabCorp
Classification: Uncertain significance. Last evaluated: 2023-10-24. Review status: criteria provided, single submitter. Criteria: LabCorp Variant Classification Summary - May 2015. Collection method: clinical testing. Allele origin: germline.
Comment: Variant summary: GLI2 c.178G>C (p.Ala60Pro) results in a non-conservative amino acid change in the encoded protein sequence. Four of five in-silico tools predict a benign effect of the variant on protein function. The variant allele was found at a frequency of 4e-06 in 251488 control chromosomes. The available data on variant occurrences in the general population are insufficient to allow any conclusion about variant significance. To our knowledge, no occurrence of c.178G>C in individuals affected with GLI2-Related Disorders and no experimental evidence demonstrating its impact on protein function have been reported. No submitters have cited clinical-significance assessments for this variant to ClinVar after 2014. Based on the evidence outlined above, the variant was classified as uncertain significance.